The following is an entry in ClinVar:

NM_021930.6(RINT1):c.1887-15A>G

Genes: EFCAB10 (EF-hand calcium binding domain 10; minus strand), RINT1 (RAD50 interactor 1; plus strand). Cytogenetic location: 7q22.3.
Variant type: single nucleotide variant.
Coding change: c.1887-15A>G on transcript NM_021930.6 (MANE Select); 15 bases into the intron before coding-DNA position 1887, A replaced by G.
Molecular consequence: intron variant. On other transcripts: 3 prime UTR variant (3).
Genome position (GRCh38, 1-based): chr7:105,565,262, A>G. VCF-style: chr7-105565262-A-G. GRCh37 (hg19) VCF-style: chr7-105205709-A-G.
Other names: c.*185T>C (NM_001355526.2); c.*287T>C (NM_001355530.2); c.*140T>C (NM_001355531.2); c.864-15A>G (NM_001346600.2, NM_001346603.2); c.963-15A>G (NM_001346601.2); c.1653-15A>G (NM_001346599.2).
Identifiers: ClinVar variation 1435951 (VCV001435951.8), dbSNP rs771142191, ClinGen allele CA4426801.

ClinVar aggregate classification (germline): Uncertain significance (1 of 4 stars; one submission).

Allele frequency attached by ClinVar (database versions not stated): TOPMed 0.00001; gnomAD 0.00002; gnomAD exomes below 0.00001 and 0.00001; ExAC 0.00001.
gnomAD v4.1: 14 of 1,558,022 alleles (0.0009%); highest among the groups gnomAD compares: African/African-American, 0.0055%; no homozygotes.

Submission:

Labcorp Genetics (formerly Invitae), Labcorp
Classification: Uncertain significance. Last evaluated: 2021-04-12. Review status: criteria provided, single submitter. Criteria: Invitae Variant Classification Sherloc (09022015). Collection method: clinical testing. Allele origin: germline.
Comment: This sequence change falls in intron 12 of the RINT1 gene. It does not directly change the encoded amino acid sequence of the RINT1 protein. This variant is present in population databases (rs771142191, ExAC 0.01%). This variant has not been reported in the literature in individuals with RINT1-related conditions. Algorithms developed to predict the effect of sequence changes on RNA splicing suggest that this variant may create or strengthen a splice site, but this prediction has not been confirmed by published transcriptional studies. In summary, the available evidence is currently insufficient to determine the role of this variant in disease. Therefore, it has been classified as a Variant of Uncertain Significance.